The following is an entry in ClinVar:

NM_138295.5(PKD1L1):c.1920T>C (p.His640=)

Gene: PKD1L1 (polycystin 1 like 1, transient receptor potential channel interacting; minus strand). Cytogenetic location: 7p12.3.
Variant type: single nucleotide variant.
Coding change: c.1920T>C on transcript NM_138295.5 (MANE Select); coding-DNA position 1920, T replaced by C.
Protein change: p.His640=; no amino-acid change (histidine 640 retained).
Molecular consequence: synonymous variant.
Genome position (GRCh38, 1-based): chr7:47,904,389, A>G on the plus strand (T>C on the coding strand, the complement: PKD1L1 is on the minus strand). VCF-style: chr7-47904389-A-G. GRCh37 (hg19) VCF-style: chr7-47943986-A-G.
Identifiers: ClinVar variation 3050993 (VCV003050993.2), dbSNP rs762700504, ClinGen allele CA4253931.

ClinVar aggregate classification (germline): Likely benign (0 of 4 stars; one submission).

Conditions:
PKD1L1-related disorder. Also called: PKD1L1-related condition.

Allele frequency attached by ClinVar (database versions not stated): TOPMed 0.00001; ExAC 0.00002.
gnomAD v4.1: 5 of 1,614,070 alleles (0.00031%); highest among the groups gnomAD compares: Admixed American, 0.0083%; no homozygotes.

Submission:

PreventionGenetics, part of Exact Sciences
Classification: Likely benign for PKD1L1-related condition. Last evaluated: 2021-10-08. Review status: no assertion criteria provided. Collection method: clinical testing. Allele origin: germline.
Comment: This variant is classified as likely benign based on ACMG/AMP sequence variant interpretation guidelines (Richards et al. 2015 PMID: 25741868, with internal and published modifications).